The following is an entry in ClinVar:

ClinVar aggregate classification (germline): Uncertain significance (1 of 4 stars; one submission).

Submission:

GeneDx
Classification: Uncertain significance. Last evaluated: 2023-03-22. Review status: criteria provided, single submitter. Criteria: GeneDx Variant Classification Process June 2021. Collection method: clinical testing. Allele origin: germline. Affected: yes.
Comment: Not observed at significant frequency in large population cohorts (gnomAD); In silico analysis supports that this variant does not alter splicing; Has not been previously published as pathogenic or benign to our knowledge

NM_005334.3(HCFC1):c.5260+4A>G

Gene: HCFC1 (host cell factor C1; minus strand). Cytogenetic location: Xq28.
Variant type: single nucleotide variant.
Coding change: c.5260+4A>G on transcript NM_005334.3 (MANE Select); 4 bases into the intron after coding-DNA position 5260, A replaced by G.
Molecular consequence: intron variant.
Genome position (GRCh38, 1-based): chrX:153,951,837, T>C on the plus strand (A>G on the coding strand, the complement: HCFC1 is on the minus strand). VCF-style: chrX-153951837-T-C. GRCh37 (hg19) VCF-style: chrX-153217288-T-C.
Other names: c.5395+4A>G (NM_001410705.1).
Identifiers: ClinVar variation 2580625 (VCV002580625.1), dbSNP rs2521474967, ClinGen allele CA2579735148.
Genomic context (GRCh38, chrX:153,951,837, plus strand): 5'-GTCCTGCCCTCACCTCCCTGGGTGCCCCCACCACCCCAGCACCAATTCGCCCTCAGTCGC[T>C]TACTCTCAGTGGCCGTTGAGGGCAGCAGCGCCACAGTGCTGGGGACCGTGCCGGCCAGCT-3'